The following is an entry in ClinVar:

NM_001101.5(ACTB):c.1066T>C (p.Trp356Arg)

Gene: ACTB (actin beta; minus strand). Cytogenetic location: 7p22.1.
Variant type: single nucleotide variant.
Coding change: c.1066T>C on transcript NM_001101.5 (MANE Select); coding-DNA position 1066, T replaced by C.
Protein change: p.Trp356Arg; replaces tryptophan 356 with arginine.
Molecular consequence: missense variant.
Genome position (GRCh38, 1-based): chr7:5,527,810, A>G on the plus strand (T>C on the coding strand, the complement: ACTB is on the minus strand). VCF-style: chr7-5527810-A-G. GRCh37 (hg19) VCF-style: chr7-5567441-A-G.
Other names: c.1066T>C (NM_001101.3); short protein forms W356R.
Identifiers: ClinVar variation 1177327 (VCV001177327.4), dbSNP rs2128241170, ClinGen allele CA366699136.
Genomic context (GRCh38, chr7:5,527,810, plus strand): 5'-AGAAGCATTTGCGGTGGACGATGGAGGGGCCGGACTCGTCATACTCCTGCTTGCTGATCC[A>G]CATCTGCTGGAAGGTGGACAGCGAGGCCAGGATGGAGCCGCCGATCCACACGGAGTACTT-3'
Protein context (NP_001092.1, residues 346-366): LASLSTFQQM[Trp356Arg]ISKQEYDESG

ClinVar aggregate classification (germline): Conflicting classifications of pathogenicity. Review status: criteria provided, conflicting classifications (1 of 4 stars). 3 submissions from 2 submitters: Likely pathogenic (2); Uncertain significance (1). Last evaluated 2022-01-18.

Conditions:
Baraitser-Winter syndrome 1 (BRWS1). Also called: BARAITSER-WINTER SYNDROME 1, ATYPICAL; PACHYGYRIA, MENTAL RETARDATION, EPILEPSY, AND CHARACTERISTIC FACIES; MENTAL RETARDATION WITH EPILEPSY AND CHARACTERISTIC FACIES; Cerebrofrontofacial syndrome. Identifiers: Orphanet 2649, Orphanet 2995, MedGen C1855722, MONDO:0009470, OMIM 243310.
ACTB-related BAFopathy.

Submissions (3):

GeneDx
Classification: Likely pathogenic. Last evaluated: 2022-01-18. Review status: criteria provided, single submitter. Criteria: GeneDx Variant Classification Process June 2021. Collection method: clinical testing. Allele origin: germline. Affected: yes.
Comment: Not observed at significant frequency in large population cohorts (gnomAD); Missense variants in this gene are often considered pathogenic (HGMD); In silico analysis supports that this missense variant has a deleterious effect on protein structure/function; Has not been previously published as pathogenic or benign to our knowledge

Baylor Genetics
Classification: Uncertain significance for ACTB-related BAFopathy. Last evaluated: 2021-06-10. Review status: criteria provided, single submitter. Criteria: ACMG Guidelines, 2015. Collection method: clinical testing. Allele origin: de novo. Affected: yes.

Baylor Genetics
Classification: Likely pathogenic for Baraitser-Winter syndrome 1. Review status: criteria provided, single submitter. Criteria: ACMG Guidelines, 2015. Collection method: clinical testing. Allele origin: unknown.